The following is an entry in ClinVar:

ClinVar aggregate classification (germline): Conflicting classifications of pathogenicity. Review status: criteria provided, conflicting classifications (1 of 4 stars). 4 submissions from 4 submitters: Uncertain significance (2); Benign (1). 1 of the submissions does not count toward it. Last evaluated 2025-03-16.

Conditions:
Developmental and epileptic encephalopathy, 27 (DEE27). Also called: GRIN2B-Related Neurodevelopmental Disorder; Epileptic encephalopathy, early infantile, 27. Identifiers: Orphanet 3451, MedGen C4015316, MONDO:0014505, OMIM 616139.
Intellectual developmental disorder, autosomal dominant 6, with or without seizures. Also called: Intellectual disability, autosomal dominant 6; GRIN2B-related developmental delay, intellectual disability and autism spectrum disorder. Identifiers: Orphanet 589547, MedGen C3151411, MONDO:0013509, OMIM 613970.

Allele frequency attached by ClinVar (database versions not stated): gnomAD 0.00001; gnomAD exomes 0.00002; TOPMed 0.00002.
gnomAD v4.1: 12 of 1,613,676 alleles (0.00074%); highest among the groups gnomAD compares: East Asian, 0.011%; no homozygotes.

Submissions (4):

Labcorp Genetics (formerly Invitae), Labcorp
Classification: Benign for Developmental and epileptic encephalopathy, 27; Intellectual developmental disorder, autosomal dominant 6, with or without seizures. Last evaluated: 2025-03-16. Review status: criteria provided, single submitter. Criteria: Invitae Variant Classification Sherloc (09022015). Collection method: clinical testing. Allele origin: germline.

New York Genome Center
Classification: Uncertain significance for Developmental and epileptic encephalopathy, 27; Intellectual developmental disorder, autosomal dominant 6, with or without seizures. Last evaluated: 2021-02-09. Review status: criteria provided, single submitter. Criteria: NYGC Assertion Criteria 2020. Collection method: clinical testing. Allele origin: inherited. Observed: 1 heterozygote. Study: CSER-NYCKidSeq.
Comment: The inherited c.2627C>T, p.Ala876Val missense variant identified in GRIN2B has not been reported in the literature. This variant has two heterozygotes in the gnomAD v3.1database, indicating this is a rare allele. In silico analysis predicts conflicting interpretation of pathogenicity [PMID:27268795] and the position is not strongly conserved (GERP++ = 5.3). Based on the available evidence, the inherited missense variant c.2627C>T, p.Ala876Val in the GRIN2B gene is classified as a Variant of Uncertain Significance.

Dubai Health Genomic Medicine Center, Dubai Health
Classification: Uncertain significance for Developmental and epileptic encephalopathy, 27. Last evaluated: 2020-07-21. Review status: criteria provided, single submitter. Criteria: ACMG Guidelines, 2015. Collection method: clinical testing. Allele origin: germline. Affected: yes.

Department of Pathology and Laboratory Medicine, Sinai Health System
Classification: Uncertain significance. Review status: no assertion criteria provided. Collection method: clinical testing. Allele origin: unknown. Affected: yes. Study: The Canadian Open Genetics Repository (COGR). Not counted in ClinVar's aggregate classification.
Comment: The GRIN2B p.Ala876Val variant was not identified in the literature nor was it identified in ClinVar or LOVD 3.0. The variant was identified in dbSNP (ID: rs1458368988) and in Cosmic (FATHMM prediction: pathogenic; score=0.95). The variant was identified in control databases in 5 of 280346 chromosomes at a frequency of 0.000018 (Genome Aggregation Database Feb 27, 2017) and was observed in the following populations: Latino in 4 of 35420 chromosomes (freq: 0.000113) and European (non-Finnish) in 1 of 127558 chromosomes (freq: 0.000008), while the variant was not observed in the African, Ashkenazi Jewish, East Asian, European (Finnish), Other and South Asian populations. The variant occurs outside of the splicing consensus sequence and in silico or computational prediction software programs (SpliceSiteFinder, MaxEntScan, NNSPLICE, GeneSplicer) do not predict a difference in splicing. The p.Ala876 residue is conserved in mammals but not in more distantly related organisms however computational analyses (SIFT, AlignGVGD, BLOSUM, PolyPhen-2, MutationTaster) provide inconsistent predictions regarding the impact to the protein; this information is not very predictive of pathogenicity. In summary, based on the above information the clinical significance of this variant cannot be determined with certainty at this time. This variant is classified as a variant of uncertain significance.

NM_000834.5(GRIN2B):c.2627C>T (p.Ala876Val)

Gene: GRIN2B (glutamate ionotropic receptor NMDA type subunit 2B; minus strand). Cytogenetic location: 12p13.1.
Variant type: single nucleotide variant.
Coding change: c.2627C>T on transcript NM_000834.5 (MANE Select); coding-DNA position 2627, C replaced by T.
Protein change: p.Ala876Val; replaces alanine 876 with valine.
Molecular consequence: missense variant.
Genome position (GRCh38, 1-based): chr12:13,564,611, G>A on the plus strand (C>T on the coding strand, the complement: GRIN2B is on the minus strand). VCF-style: chr12-13564611-G-A. GRCh37 (hg19) VCF-style: chr12-13717545-G-A.
Other names: short protein forms A876V.
Identifiers: ClinVar variation 1049874 (VCV001049874.10), dbSNP rs1458368988, ClinGen allele CA383994686.